The following is an entry in ClinVar:

NM_000492.4(CFTR):c.3767C>T (p.Ala1256Val)

Genes: CFTR (CF transmembrane conductance regulator; plus strand), CFTR-AS2 (CFTR antisense RNA 2; minus strand). Cytogenetic location: 7q31.2.
Variant type: single nucleotide variant.
Coding change: c.3767C>T on transcript NM_000492.4 (MANE Select); coding-DNA position 3767, C replaced by T.
Protein change: p.Ala1256Val; replaces alanine 1256 with valine.
Molecular consequence: missense variant.
Genome position (GRCh38, 1-based): chr7:117,642,487, C>T. VCF-style: chr7-117642487-C-T. GRCh37 (hg19) VCF-style: chr7-117282541-C-T.
Other names: short protein forms A1256V.
Identifiers: ClinVar variation 495935 (VCV000495935.6), dbSNP rs773852510, ClinGen allele CA4451543.

ClinVar aggregate classification (germline): Uncertain significance. Review status: criteria provided, multiple submitters, no conflicts (2 of 4 stars). 5 submissions from 5 submitters: Uncertain significance (4). 1 of the submissions does not count toward it. Last evaluated 2023-12-04.

Conditions:
Cystic fibrosis (CF). Also called: MUCOVISCIDOSIS. Identifiers: Orphanet 586, MedGen C0010674, MONDO:0009061, OMIM 219700. Disease mechanism: loss of function.

Allele frequency attached by ClinVar (database versions not stated): TOPMed below 0.00001; gnomAD exomes 0.00001 and 0.00003; ExAC 0.00002.
gnomAD v4.1: 21 of 1,613,622 alleles (0.0013%); highest among the groups gnomAD compares: South Asian, 0.022%; 1 homozygote.

Submissions (5):

Blueprint Genetics
Classification: Uncertain significance. Last evaluated: 2023-12-04. Review status: criteria provided, single submitter. Criteria: ACMG Guidelines, 2015. Collection method: clinical testing. Allele origin: germline.

Ambry Genetics
Classification: Uncertain significance for Cystic fibrosis. Last evaluated: 2023-10-25. Review status: criteria provided, single submitter. Criteria: Ambry Variant Classification Scheme 2023. Collection method: clinical testing. Allele origin: germline.
Comment: The p.A1256V variant (also known as c.3767C>T), located in coding exon 23 of the CFTR gene, results from a C to T substitution at nucleotide position 3767. The alanine at codon 1256 is replaced by valine, an amino acid with similar properties. This amino acid position is conserved. In addition, this alteration is predicted to be deleterious by in silico analysis. Since supporting evidence is limited at this time, the clinical significance of this alteration remains unclear.

Labcorp Genetics (formerly Invitae), Labcorp
Classification: Uncertain significance for Cystic fibrosis. Last evaluated: 2022-06-08. Review status: criteria provided, single submitter. Criteria: Invitae Variant Classification Sherloc (09022015). Collection method: clinical testing. Allele origin: germline.
Comment: This sequence change replaces alanine, which is neutral and non-polar, with valine, which is neutral and non-polar, at codon 1256 of the CFTR protein (p.Ala1256Val). This variant is present in population databases (rs773852510, gnomAD 0.02%). This variant has not been reported in the literature in individuals affected with CFTR-related conditions. ClinVar contains an entry for this variant (Variation ID: 495935). Algorithms developed to predict the effect of missense changes on protein structure and function (SIFT, PolyPhen-2, Align-GVGD) all suggest that this variant is likely to be tolerated. In summary, the available evidence is currently insufficient to determine the role of this variant in disease. Therefore, it has been classified as a Variant of Uncertain Significance.

Women's Health and Genetics/Laboratory Corporation of America, LabCorp
Classification: Uncertain significance. Last evaluated: 2016-04-25. Review status: criteria provided, single submitter. Criteria: LabCorp Variant Classification Summary - May 2015. Collection method: clinical testing. Allele origin: germline.
Comment: Variant summary: The c.3767C>T variant involves the alteration of a conserved nucleotide and 5/5 in silico tools predict a damaging outcome. The variant was observed in the large and broad cohorts of the ExAC project at an allele frequency of 0.002% which does not exceed the maximal expected allele frequency for a pathogenic variant in CFTR (1.3%). The variant of interest has not, to our knowledge, been reported in affected individuals via publications and/or reputable databases/clinical laboratories, nor evaluated for functional impact by in vivo/vitro studies. Because of the absence of clinical information and the lack of functional studies, the variant was classified as a variant of uncertain significance (VUS) until additional information becomes available.

Natera, Inc.
Classification: Uncertain significance for Cystic Fibrosis. Last evaluated: 2020-09-16. Review status: no assertion criteria provided. Collection method: clinical testing. Allele origin: germline. Not counted in ClinVar's aggregate classification.